The following is an entry in ClinVar:

ClinVar aggregate classification (germline): Uncertain significance. Review status: criteria provided, multiple submitters, no conflicts (2 of 4 stars). 3 submissions from 3 submitters: Uncertain significance (3). Last evaluated 2025-12-22.

Conditions:
Hereditary nonpolyposis colorectal neoplasms. Identifiers: MedGen C0009405, MeSH D003123.
Hereditary cancer-predisposing syndrome. Also called: Neoplastic Syndromes, Hereditary; Hereditary neoplastic syndrome; Tumor predisposition; Hereditary Cancer Syndrome. Identifiers: Orphanet 140162, MedGen C0027672, MeSH D009386, MONDO:0015356.

gnomAD v4.1: 1 of 1,612,182 alleles (0.000062%); no homozygotes.

Submissions (3):

Ambry Genetics
Classification: Uncertain significance for Hereditary cancer-predisposing syndrome. Last evaluated: 2025-12-22. Review status: criteria provided, single submitter. Criteria: Ambry Variant Classification Scheme 2023. Collection method: clinical testing. Allele origin: germline.
Comment: The p.F10L variant (also known as c.30C>A), located in coding exon 1 of the MSH6 gene, results from a C to A substitution at nucleotide position 30. The phenylalanine at codon 10 is replaced by leucine, an amino acid with highly similar properties. This amino acid position is well conserved in available vertebrate species. In addition, the in silico prediction for this alteration is inconclusive. Since supporting evidence is limited at this time, the clinical significance of this alteration remains unclear.

Labcorp Genetics (formerly Invitae), Labcorp
Classification: Uncertain significance for Hereditary nonpolyposis colorectal neoplasms. Last evaluated: 2024-08-07. Review status: criteria provided, single submitter. Criteria: Invitae Variant Classification Sherloc (09022015). Collection method: clinical testing. Allele origin: germline.
Comment: This sequence change replaces phenylalanine, which is neutral and non-polar, with leucine, which is neutral and non-polar, at codon 10 of the MSH6 protein (p.Phe10Leu). This variant is not present in population databases (gnomAD no frequency). This variant has not been reported in the literature in individuals affected with MSH6-related conditions. ClinVar contains an entry for this variant (Variation ID: 628563). Advanced modeling of protein sequence and biophysical properties (such as structural, functional, and spatial information, amino acid conservation, physicochemical variation, residue mobility, and thermodynamic stability) performed at Invitae indicates that this missense variant is not expected to disrupt MSH6 protein function with a negative predictive value of 95%. In summary, the available evidence is currently insufficient to determine the role of this variant in disease. Therefore, it has been classified as a Variant of Uncertain Significance.

Color Diagnostics, LLC DBA Color Health
Classification: Uncertain significance for Hereditary cancer-predisposing syndrome. Last evaluated: 2024-03-06. Review status: criteria provided, single submitter. Criteria: ACMG Guidelines, 2015. Collection method: clinical testing. Allele origin: germline.
Comment: This missense variant replaces phenylalanine with leucine at codon 10 of the MSH6 protein. Computational prediction is inconclusive regarding the impact of this variant on protein structure and function (internally defined REVEL score threshold 0.5 < inconclusive < 0.7, PMID: 27666373). To our knowledge, functional studies have not been reported for this variant. This variant has not been reported in individuals affected with MSH6-related disorders in the literature. This variant has not been identified in the general population by the Genome Aggregation Database (gnomAD). The available evidence is insufficient to determine the role of this variant in disease conclusively. Therefore, this variant is classified as a Variant of Uncertain Significance.

NM_000179.3(MSH6):c.30C>A (p.Phe10Leu)

Gene: MSH6 (mutS homolog 6; plus strand). Cytogenetic location: 2p16.3.
Variant type: single nucleotide variant.
Coding change: c.30C>A on transcript NM_000179.3 (MANE Select); coding-DNA position 30, C replaced by A.
Protein change: p.Phe10Leu; replaces phenylalanine 10 with leucine.
Molecular consequence: missense variant. On other transcripts: 5 prime UTR variant (1).
Genome position (GRCh38, 1-based): chr2:47,783,263, C>A. VCF-style: chr2-47783263-C-A. GRCh37 (hg19) VCF-style: chr2-48010402-C-A.
Other names: c.30C>A, p.Phe10Leu (NM_001281492.2); c.-707C>A (NM_001281493.2); short protein forms F10L.
Identifiers: ClinVar variation 628563 (VCV000628563.14), dbSNP rs786201869, ClinGen allele CA346734516.